The following is an entry in ClinVar:

ClinVar aggregate classification (germline): Uncertain significance (1 of 4 stars; one submission).

Conditions:
Gastrointestinal stromal tumor. Also called: Gastrointestinal stromal tumor, somatic; Gastrointestinal stroma tumor. Identifiers: Orphanet 44890, MedGen C0238198, MeSH D046152, MONDO:0011719, OMIM 606764, HP:0100723.
Pheochromocytoma/paraganglioma syndrome 4. Also called: CAROTID BODY TUMORS AND MULTIPLE EXTRAADRENAL PHEOCHROMOCYTOMAS; SDHB-Related Hereditary Paraganglioma-Pheochromocytoma Syndrome; Paragangliomas 4; SDHB-Related Hereditary Paraganglioma-Pheochromocytoma Syndrome (Paragangliomas 4); PARAGANGLIOMA, FAMILIAL MALIGNANT; PARAGANGLIOMAS, HEREDITARY EXTRAADRENAL. Identifiers: Orphanet 29072, MedGen C1861848, MONDO:0007273, OMIM 115310.
Pheochromocytoma. Also called: MAX-Related Hereditary Paraganglioma-Pheochromocytoma Syndrome. Identifiers: Orphanet 29072, MedGen C0031511, MONDO:0008233, OMIM 171300, HP:0002666.

Submission:

Labcorp Genetics (formerly Invitae), Labcorp
Classification: Uncertain significance for Gastrointestinal stromal tumor; Pheochromocytoma/paraganglioma syndrome 4; Pheochromocytoma. Last evaluated: 2021-06-01. Review status: criteria provided, single submitter. Criteria: Invitae Variant Classification Sherloc (09022015). Collection method: clinical testing. Allele origin: germline.
Comment: In summary, the available evidence is currently insufficient to determine the role of this variant in disease. Therefore, it has been classified as a Variant of Uncertain Significance. Algorithms developed to predict the effect of missense changes on protein structure and function are either unavailable or do not agree on the potential impact of this missense change (SIFT: "Deleterious"; PolyPhen-2: "Possibly Damaging"; Align-GVGD: "Class C0"). This variant has been observed in individual(s) with pheochromocytoma (Invitae). This variant is not present in population databases (ExAC no frequency). This sequence change replaces methionine with isoleucine at codon 247 of the SDHB protein (p.Met247Ile). The methionine residue is highly conserved and there is a small physicochemical difference between methionine and isoleucine.

NM_003000.3(SDHB):c.741G>T (p.Met247Ile)

Gene: SDHB (succinate dehydrogenase complex iron sulfur subunit B; minus strand). Cytogenetic location: 1p36.13.
Variant type: single nucleotide variant.
Coding change: c.741G>T on transcript NM_003000.3 (MANE Select); coding-DNA position 741, G replaced by T.
Protein change: p.Met247Ile; replaces methionine 247 with isoleucine.
Molecular consequence: missense variant.
Genome position (GRCh38, 1-based): chr1:17,022,632, C>A on the plus strand (G>T on the coding strand, the complement: SDHB is on the minus strand). VCF-style: chr1-17022632-C-A. GRCh37 (hg19) VCF-style: chr1-17349127-C-A.
Other names: short protein forms M247I.
Identifiers: ClinVar variation 962306 (VCV000962306.6), dbSNP rs2077968110, ClinGen allele CA338270076.